The following is an entry in ClinVar:

ClinVar aggregate classification (germline): Uncertain significance (1 of 4 stars; one submission).

Conditions:
Hereditary cancer-predisposing syndrome. Also called: Tumor predisposition; Hereditary Cancer Syndrome; Hereditary neoplastic syndrome; Neoplastic Syndromes, Hereditary. Identifiers: Orphanet 140162, MedGen C0027672, MeSH D009386, MONDO:0015356.

Submission:

Ambry Genetics
Classification: Uncertain significance for Hereditary cancer-predisposing syndrome. Last evaluated: 2025-10-29. Review status: criteria provided, single submitter. Criteria: Ambry Variant Classification Scheme 2023. Collection method: clinical testing. Allele origin: germline.
Comment: The p.L39Q variant (also known as c.116T>A), located in coding exon 1 of the TMEM127 gene, results from a T to A substitution at nucleotide position 116. The leucine at codon 39 is replaced by glutamine, an amino acid with dissimilar properties. This amino acid position is conserved. In addition, this alteration is predicted to be deleterious by in silico analysis. Based on the available evidence, the clinical significance of this variant remains unclear.

NM_017849.4(TMEM127):c.116T>A (p.Leu39Gln)

Genes: TMEM127 (transmembrane protein 127; minus strand), LOC129934333 (ATAC-STARR-seq lymphoblastoid silent region 11759; plus strand). Cytogenetic location: 2q11.2.
Variant type: single nucleotide variant.
Coding change: c.116T>A on transcript NM_017849.4 (MANE Select); coding-DNA position 116, T replaced by A.
Protein change: p.Leu39Gln; replaces leucine 39 with glutamine.
Molecular consequence: missense variant. On other transcripts: intron variant (1).
Genome position (GRCh38, 1-based): chr2:96,265,266, A>T on the plus strand (T>A on the coding strand, the complement: TMEM127 is on the minus strand). VCF-style: chr2-96265266-A-T. GRCh37 (hg19) VCF-style: chr2-96931004-A-T.
Other names: c.116T>A, p.Leu39Gln (NM_001193304.3); c.-9+603T>A (NM_001407283.1); short protein forms L39Q.
Identifiers: ClinVar variation 4552129 (VCV004552129.1).